The following is an entry in ClinVar:

ClinVar aggregate classification (germline): Uncertain significance (1 of 4 stars; one submission).

Conditions:
Combined immunodeficiency due to DOCK8 deficiency (HIES2). Also called: HIES autosomal recessive; Hyper-IgE recurrent infection syndrome, autosomal recessive; HYPER-IgE RECURRENT INFECTION SYNDROME 2, AUTOSOMAL RECESSIVE; HYPER-IgE SYNDROME 2, AUTOSOMAL RECESSIVE, WITH RECURRENT INFECTIONS; DOCK8 Deficiency. Identifiers: Orphanet 217390, MedGen C4722305, MONDO:0009478, OMIM 243700.

Allele frequency attached by ClinVar (database versions not stated): gnomAD exomes below 0.00001.
gnomAD v4.1: 3 of 1,614,234 alleles (0.00019%); no homozygotes.

Submission:

Labcorp Genetics (formerly Invitae), Labcorp
Classification: Uncertain significance for Combined immunodeficiency due to DOCK8 deficiency. Last evaluated: 2022-02-27. Review status: criteria provided, single submitter. Criteria: Invitae Variant Classification Sherloc (09022015). Collection method: clinical testing. Allele origin: germline.
Comment: In summary, the available evidence is currently insufficient to determine the role of this variant in disease. Therefore, it has been classified as a Variant of Uncertain Significance. Algorithms developed to predict the effect of missense changes on protein structure and function output the following: SIFT: "Tolerated"; PolyPhen-2: "Benign"; Align-GVGD: "Class C0". The isoleucine amino acid residue is found in multiple mammalian species, which suggests that this missense change does not adversely affect protein function. This variant has not been reported in the literature in individuals affected with DOCK8-related conditions. This variant is not present in population databases (gnomAD no frequency). This sequence change replaces valine, which is neutral and non-polar, with isoleucine, which is neutral and non-polar, at codon 1203 of the DOCK8 protein (p.Val1203Ile).

NM_203447.4(DOCK8):c.3607G>A (p.Val1203Ile)

Gene: DOCK8 (dedicator of cytokinesis 8; plus strand). Cytogenetic location: 9p24.3.
Variant type: single nucleotide variant.
Coding change: c.3607G>A on transcript NM_203447.4 (MANE Select); coding-DNA position 3607, G replaced by A.
Protein change: p.Val1203Ile; replaces valine 1203 with isoleucine.
Molecular consequence: missense variant.
Genome position (GRCh38, 1-based): chr9:414,858, G>A. VCF-style: chr9-414858-G-A. GRCh37 (hg19) VCF-style: chr9-414858-G-A.
Other names: c.3307G>A, p.Val1103Ile (NM_001190458.2); c.3403G>A, p.Val1135Ile (NM_001193536.2); short protein forms V1135I, V1103I, V1203I.
Identifiers: ClinVar variation 2103840 (VCV002103840.4), dbSNP rs973073756, ClinGen allele CA187777465.